The following is an entry in ClinVar:

NM_001289125.3(IFNAR2):c.1544G>A (p.Arg515Lys)

Genes: IFNAR2 (interferon alpha and beta receptor subunit 2; plus strand), IFNAR2-IL10RB (IFNAR2-IL10RB readthrough; plus strand). Cytogenetic location: 21q22.11.
Variant type: single nucleotide variant.
Coding change: c.1544G>A on transcript NM_001289125.3 (MANE Select); coding-DNA position 1544, G replaced by A.
Protein change: p.Arg515Lys; replaces arginine 515 with lysine.
Molecular consequence: missense variant. On other transcripts: 3 prime UTR variant (5), intron variant (1).
Genome position (GRCh38, 1-based): chr21:33,263,496, G>A. VCF-style: chr21-33263496-G-A. GRCh37 (hg19) VCF-style: chr21-34635801-G-A.
Other names: p.Arg515Lys; c.*780G>A (NM_000874.5, NM_207584.3); c.*693G>A (NM_001289126.2, NM_001289128.2); c.*919G>A (NM_001385054.1); c.1544G>A, p.Arg515Lys (NM_207585.3); c.1318+226G>A (NM_001385055.1); c.1544G>A (NM_207585.2); short protein forms R515K.
Identifiers: ClinVar variation 1169974 (VCV001169974.10), dbSNP rs45513593, ClinGen allele CA10006002.
Genomic context (GRCh38, chr21:33,263,496, plus strand): 5'-CATCTGATCAAAGTGACACTTCTGAGTCAGATGTTGACCTTGGGGATGGTTATATAATGA[G>A]ATGACTCCAAAACTATTGAATGAACTTGGACAGACAAGCACCTACAGGGTTCTTTGTCTC-3'
Protein context (NP_001276054.1, residues 505-515): DVDLGDGYIM[Arg515Lys]

ClinVar aggregate classification (germline): Benign/Likely benign. Review status: criteria provided, multiple submitters, no conflicts (2 of 4 stars). 2 submissions from 2 submitters: Benign (1); Likely benign (1). Last evaluated 2026-01-18.

Allele frequency attached by ClinVar (database versions not stated): gnomAD 0.00044; TOPMed 0.00046; ExAC 0.00048; gnomAD exomes 0.00052 and 0.00054; ESP Exome Variant Server 0.00069.
gnomAD v4.1: 870 of 1,604,808 alleles (0.054%); highest among the groups gnomAD compares: Non-Finnish European, 0.044%; 2 homozygotes.

Submissions (2):

Labcorp Genetics (formerly Invitae), Labcorp
Classification: Benign. Last evaluated: 2026-01-18. Review status: criteria provided, single submitter. Criteria: Invitae Variant Classification Sherloc (09022015). Collection method: clinical testing. Allele origin: germline.

Mayo Clinic Laboratories, Mayo Clinic
Classification: Likely benign. Last evaluated: 2025-07-02. Review status: criteria provided, single submitter. Criteria: ACMG Guidelines, 2015. Collection method: clinical testing. Allele origin: germline. Observed: 1 variant allele.
Comment: BS1, BS2_supporting, BP4_moderate